The following is an entry in ClinVar:

ClinVar aggregate classification (germline): Conflicting classifications of pathogenicity. Review status: criteria provided, conflicting classifications (1 of 4 stars). 13 submissions from 12 submitters: Uncertain significance (1); Benign (7); Likely benign (4). 1 of the submissions does not count toward it. Last evaluated 2026-05-01.

Conditions:
Wiskott-Aldrich syndrome (WAS). Also called: ALDRICH SYNDROME; IMMUNODEFICIENCY 2; Wiskott-aldrich syndrome, somatic; WISKOTT-ALDRICH SYNDROME 1. Identifiers: Orphanet 906, MedGen C0043194, MONDO:0010518, OMIM 301000.
Werner syndrome (WRN). Identifiers: Orphanet 902, MedGen C0043119, MONDO:0010196, OMIM 277700.

Allele frequency attached by ClinVar (database versions not stated): ESP Exome Variant Server 0.00077; gnomAD 0.00118 and 0.00173; TOPMed 0.00141; gnomAD exomes 0.00305; ExAC 0.00346; 1000 Genomes Project 0.00539; 1000 Genomes Project 30x 0.00593.
gnomAD v4.1: 3,611 of 1,613,806 alleles (0.22%); highest among the groups gnomAD compares: South Asian, 1.6%; 33 homozygotes.

Submissions (13):

CeGaT Center for Human Genetics Tuebingen
Classification: Benign. Last evaluated: 2026-05-01. Review status: criteria provided, single submitter. Criteria: CeGaT Center For Human Genetics Tuebingen Variant Classification Criteria Version 2. Collection method: clinical testing. Allele origin: germline. Affected: yes. Observed: 13 variant alleles.
Comment: WRN: BS1, BS2

Labcorp Genetics (formerly Invitae), Labcorp
Classification: Benign for Werner syndrome. Last evaluated: 2026-01-28. Review status: criteria provided, single submitter. Criteria: Invitae Variant Classification Sherloc (09022015). Collection method: clinical testing. Allele origin: germline.

Dasa
Classification: Likely benign. Last evaluated: 2025-11-29. Review status: criteria provided, single submitter. Criteria: DASA Assertion Criteria. Collection method: clinical testing. Allele origin: germline.
Comment: NM_000553.6(WRN):c.4216C>T (p.Arg1406Ter) introduces a premature termination codon predicted to result in loss of normal protein function. Loss-of-function is an established mechanism of disease for this gene. The variant is present at low frequency in population datasets. Based on the available data, this variant is classified as likely benign.

Mayo Clinic Laboratories, Mayo Clinic
Classification: Likely benign. Last evaluated: 2025-06-09. Review status: criteria provided, single submitter. Criteria: ACMG Guidelines, 2015. Collection method: clinical testing. Allele origin: germline. Observed: 1 variant allele.
Comment: BS1, BS2, PVS1_moderate

KCCC/NGS Laboratory, Kuwait Cancer Control Center
Classification: Benign for Werner syndrome. Last evaluated: 2025-02-01. Review status: criteria provided, single submitter. Criteria: ACMG Guidelines, 2015. Collection method: clinical testing. Allele origin: germline. Affected: no.

KCCC/NGS Laboratory, Kuwait Cancer Control Center
Classification: Benign for Wiskott-Aldrich syndrome. Last evaluated: 2023-07-07. Review status: criteria provided, single submitter. Criteria: ACMG Guidelines, 2015. Collection method: clinical testing. Allele origin: germline. Affected: yes.

Women's Health and Genetics/Laboratory Corporation of America, LabCorp
Classification: Benign. Last evaluated: 2022-05-04. Review status: criteria provided, single submitter. Criteria: LabCorp Variant Classification Summary - May 2015. Collection method: clinical testing. Allele origin: germline.
Comment: Variant summary: WRN c.4216C>T (p.Arg1406X) located in the last exon results in a premature termination codon, predicted to cause a truncation of the encoded protein or absence of the protein due to nonsense mediated decay, which are commonly known mechanisms for disease. Truncations downstream of this position have not been observed or classified as pathogenic by our laboratory. The variant allele was found at a frequency of 0.0031 in 250856 control chromosomes, predominantly at a frequency of 0.017 within the South Asian subpopulation in the gnomAD database, including 10 homozygotes. The observed variant frequency within South Asian control individuals in the gnomAD database is approximately 6.8 fold of the estimated maximal expected allele frequency for a pathogenic variant in WRN causing Werner Syndrome phenotype (0.0025), strongly suggesting that the variant is a benign polymorphism found primarily in populations of South Asian origin. To our knowledge, no penetrant association of c.4216C>T in individuals affected with Werner Syndrome and no experimental evidence demonstrating its impact on protein function have been reported. Five clinical diagnostic laboratories have submitted clinical-significance assessments for this variant to ClinVar after 2014 with a majority consensus as benign/likely benign (n=4)(VUS, n=1). Based on the evidence outlined above, the variant was classified as benign.

Institute for Clinical Genetics, University Hospital TU Dresden, University Hospital TU Dresden
Classification: Uncertain significance. Last evaluated: 2021-11-03. Review status: criteria provided, single submitter. Criteria: ACMG Guidelines, 2015. Collection method: clinical testing. Allele origin: germline.

GeneDx
Classification: Likely benign. Last evaluated: 2021-05-06. Review status: criteria provided, single submitter. Criteria: GeneDx Variant Classification Process June 2021. Collection method: clinical testing. Allele origin: germline. Affected: yes.
Comment: This variant is associated with the following publications: (PMID: 25619955, 26822949, 27153395, 27667302, 28125075)

Mendelics
Classification: Benign for Werner syndrome. Last evaluated: 2019-05-28. Review status: criteria provided, single submitter. Criteria: Mendelics Assertion Criteria 2017. Collection method: clinical testing. Allele origin: unknown.

Illumina Laboratory Services, Illumina
Classification: Likely benign for Werner syndrome. Last evaluated: 2017-04-27. Review status: criteria provided, single submitter. Criteria: ICSL Variant Classification Criteria 13 December 2019. Collection method: clinical testing. Allele origin: germline.
Comment: This variant was observed as part of a predisposition screen in an ostensibly healthy population. A literature search was performed for the gene, cDNA change, and amino acid change (where applicable). No publications were found based on this search. Allele frequency data from public databases allowed determination this variant is unlikely to cause disease. Therefore, this variant is classified as likely benign.

Eurofins Ntd Llc (ga)
Classification: Benign. Last evaluated: 2014-12-30. Review status: criteria provided, single submitter. Criteria: EGL Classification Definitions 2015. Collection method: clinical testing. Allele origin: germline. Observed: 1 variant allele, 1 heterozygote.

ITMI
No classification provided. Condition: AllHighlyPenetrant. Last evaluated: 2013-09-19. Review status: no classification provided. Collection method: reference population. Allele origin: germline. Not counted in ClinVar's aggregate classification.
Comment: Please see associated publication for description of ethnicities

Literature cited by the submitters: PubMed 24728327 (cited by ITMI).

NM_000553.6(WRN):c.4216C>T (p.Arg1406Ter)

Genes: WRN (WRN RecQ like helicase; plus strand), LOC126860342 (MED14-independent group 3 enhancer GRCh37_chr8:31029565-31030764; plus strand). Cytogenetic location: 8p12.
Variant type: single nucleotide variant.
Coding change: c.4216C>T on transcript NM_000553.6 (MANE Select); coding-DNA position 4216, C replaced by T.
Protein change: p.Arg1406Ter; replaces arginine 1406 with a stop codon.
Molecular consequence: nonsense.
Genome position (GRCh38, 1-based): chr8:31,173,019, C>T. VCF-style: chr8-31173019-C-T. GRCh37 (hg19) VCF-style: chr8-31030535-C-T.
Other names: p.Arg1406*; short protein forms R1406*.
Identifiers: ClinVar variation 135443 (VCV000135443.54), dbSNP rs11574410, ClinGen allele CA162779.